The following is an entry in ClinVar:

ClinVar aggregate classification (germline): Uncertain significance (1 of 4 stars; one submission).

Allele frequency attached by ClinVar (database versions not stated): gnomAD exomes below 0.00001; TOPMed 0.00001.
gnomAD v4.1: 1 of 1,614,066 alleles (0.000062%); highest among the groups gnomAD compares: Non-Finnish European, 0.000085%; no homozygotes.

Submission:

ARUP Laboratories, Molecular Genetics and Genomics, ARUP Laboratories
Classification: Uncertain significance. Last evaluated: 2019-09-25. Review status: criteria provided, single submitter. Criteria: ARUP Molecular Germline Variant Investigation Process. Collection method: clinical testing. Allele origin: germline.
Comment: The SCN3B c.568G>A; p.Ala190Thr variant, to our knowledge, is not reported in the medical literature or gene specific databases. This variant is absent from general population databases (Exome Variant Server, Genome Aggregation Database), indicating it is not a common polymorphism. The alanine at position 190 is highly conserved and computational analyses of the effects of the p.Ala190Thr variant on protein structure and function conflicting (SIFT: damaging, PolyPhen-2: benign). Altogether, there is not enough evidence to classify the p.Ala190Thr variant with certainty.

NM_001040151.2(SCN3B):c.568G>A (p.Ala190Thr)

Gene: SCN3B (sodium voltage-gated channel beta subunit 3; minus strand). Cytogenetic location: 11q24.1.
Variant type: single nucleotide variant.
Coding change: c.568G>A on transcript NM_001040151.2 (MANE Select); coding-DNA position 568, G replaced by A.
Protein change: p.Ala190Thr; replaces alanine 190 with threonine.
Molecular consequence: missense variant.
Genome position (GRCh38, 1-based): chr11:123,638,202, C>T on the plus strand (G>A on the coding strand, the complement: SCN3B is on the minus strand). VCF-style: chr11-123638202-C-T. GRCh37 (hg19) VCF-style: chr11-123508910-C-T.
Other names: c.568G>A, p.Ala190Thr (NM_018400.4); short protein forms A190T.
Identifiers: ClinVar variation 994414 (VCV000994414.8), dbSNP rs1955750790, ClinGen allele CA383070153.